The following is an entry in ClinVar:

ClinVar aggregate classification (germline): Uncertain significance (1 of 4 stars; one submission).

Conditions:
Sucrase-isomaltase deficiency (CSID). Also called: SI DEFICIENCY; Deficiency of isomaltase; Congenital sucrose isomaltose malabsorption; Sucrose isomaltose enzyme deficiency. Identifiers: Orphanet 35122, MedGen C1283620, MONDO:0009114, OMIM 222900.

Submission:

New York Genome Center
Classification: Uncertain significance for Sucrase-isomaltase deficiency. Last evaluated: 2020-05-05. Review status: criteria provided, single submitter. Criteria: NYGC Assertion Criteria 2020. Collection method: clinical testing. Allele origin: inherited. Observed: 1 heterozygote. Study: CSER-NYCKidSeq.
Comment: The inherited c.1399-402_1513-1189dup variant identified in the SI gene is a 4.65KB tandem duplication of exon 13 and surrounding intronic sequences. This is predicted to lead to the in-frame insertion of 38 amino acids within the isomaltase domain of SI (UniProtKB:P14410), in which other variants have been reported in affected individuals [PMID:19121318]. A similar duplication of exon 13 has been observed a single time in gnomAD (1 heterozygote, 0 homozygotes; allele frequency:4.6e-5; gnomAD v2.1.1), suggesting it is not a common benign variant in the populations represented in this database. This variant is absent from ClinVar and to our current knowledge has not been reported in affected individuals in the literature. Given the lack of compelling evidence for its pathogenicity, the c.1399-402_1513-1189dup variant identified in the SI gene is reported here as a Variant of Uncertain Significance.

NM_001041.4(SI):c.1399-402_1513-1189dup

Gene: SI (sucrase-isomaltase; minus strand). Cytogenetic location: 3q26.1.
Variant type: Duplication.
Coding change: c.1399-402_1513-1189dup on transcript NM_001041.4 (MANE Select); 402 bases into the intron before coding-DNA position 1399 through 1189 bases into the intron before coding-DNA position 1513, 4,646 bases duplicated.
Molecular consequence: splice acceptor variant, splice donor variant.
Genome position (GRCh38, 1-based): chr3:165,051,064-165,055,709, 4,646 bases duplicated. GRCh37 (hg19): chr3:164,768,853-164,773,498.
Identifiers: ClinVar variation 1098645 (VCV001098645.1), ClinGen allele CA2499216580.